The following is an entry in ClinVar:

ClinVar aggregate classification (germline): Benign (1 of 4 stars; one submission).

Submission:

ISCA site 4
Classification: Benign. Last evaluated: 2011-08-12. Review status: criteria provided, single submitter. Criteria: Kaminsky et al. (Genet Med. 2011). Collection method: clinical testing. Allele origin: unknown. Affected: yes. Observed: 1 variant allele.
Comment: Copy number variation identified through the course of routine clinical cytogenomic testing in postnatal populations. Clinical assertions have been curated as described in Kaminsky et al. 2011.

GRCh38/hg38 Xq28(chrX:155980375-156010307)x1

Gene: IL9R (interleukin 9 receptor; plus strand). Cytogenetic location: Xq28.
Variant type: copy number loss.
Change: copy number 1 of chrX:155,980,375-156,010,307 (29.9 kb, GRCh38 coordinates, 1-based), cytogenetic band Xq28.
Identifiers: ClinVar variation 57248 (VCV000057248.1).